The following is an entry in ClinVar:

ClinVar aggregate classification (germline): Uncertain significance (1 of 4 stars; one submission).

Conditions:
Imerslund-Grasbeck syndrome. Also called: ENTEROCYTE COBALAMIN MALABSORPTION; ENTEROCYTE INTRINSIC FACTOR RECEPTOR, DEFECT OF; PERNICIOUS ANEMIA, JUVENILE, DUE TO SELECTIVE INTESTINAL MALABSORPTION OF VITAMIN B12, WITH PROTEINURIA; Imerslund-Gräsbeck syndrome; Megaloblastic anemia due to inborn errors of metabolism. Identifiers: Orphanet 35858, MedGen C4551825, MONDO:0009853.

Submission:

Labcorp Genetics (formerly Invitae), Labcorp
Classification: Uncertain significance for Imerslund-Grasbeck syndrome. Last evaluated: 2025-03-31. Review status: criteria provided, single submitter. Criteria: Invitae Variant Classification Sherloc (09022015). Collection method: clinical testing. Allele origin: germline.
Comment: This sequence change replaces glutamine, which is neutral and polar, with lysine, which is basic and polar, at codon 2629 of the CUBN protein (p.Gln2629Lys). This variant is not present in population databases (gnomAD no frequency). This variant has not been reported in the literature in individuals affected with CUBN-related conditions. ClinVar contains an entry for this variant (Variation ID: 2007737). Invitae Evidence Modeling of protein sequence and biophysical properties (such as structural, functional, and spatial information, amino acid conservation, physicochemical variation, residue mobility, and thermodynamic stability) indicates that this missense variant is not expected to disrupt CUBN protein function with a negative predictive value of 80%. In summary, the available evidence is currently insufficient to determine the role of this variant in disease. Therefore, it has been classified as a Variant of Uncertain Significance.

NM_001081.4(CUBN):c.7885C>A (p.Gln2629Lys)

Gene: CUBN (cubilin; minus strand). Cytogenetic location: 10p13.
Variant type: single nucleotide variant.
Coding change: c.7885C>A on transcript NM_001081.4 (MANE Select); coding-DNA position 7885, C replaced by A.
Protein change: p.Gln2629Lys; replaces glutamine 2629 with lysine.
Molecular consequence: missense variant.
Genome position (GRCh38, 1-based): chr10:16,906,230, G>T on the plus strand (C>A on the coding strand, the complement: CUBN is on the minus strand). VCF-style: chr10-16906230-G-T. GRCh37 (hg19) VCF-style: chr10-16948229-G-T.
Other names: short protein forms Q2629K.
Identifiers: ClinVar variation 2007737 (VCV002007737.4), dbSNP rs2491393763, ClinGen allele CA376143037.